The following is an entry in ClinVar:

ClinVar aggregate classification (germline): Pathogenic. Review status: criteria provided, multiple submitters, no conflicts (2 of 4 stars). 3 submissions from 3 submitters: Pathogenic (2). 1 of the submissions does not count toward it. Last evaluated 2024-12-04.

Conditions:
Alport syndrome. Also called: Hemorrhagic familial nephritis; Hemorrhagic hereditary nephritis; Congenital hereditary hematuria. Identifiers: Orphanet 63, MedGen C1567741, MONDO:0018965.
X-linked Alport syndrome (ATS1). Also called: COL4A5-Related Nephropathy; NEPHROPATHY AND DEAFNESS, X-LINKED. Identifiers: Orphanet 63, Orphanet 88917, MedGen C4746986, MONDO:0010520, OMIM 301050.

Submissions (3):

GeneDx
Classification: Pathogenic. Last evaluated: 2024-12-04. Review status: criteria provided, single submitter. Criteria: GeneDx Variant Classification Process June 2021. Collection method: clinical testing. Allele origin: germline. Affected: yes.
Comment: Canonical splice site variant predicted to result in in-frame deletion within a critical region. Variant damages or destroys the canonical splice donor site in intron 12, and is expected to cause abnormal gene splicing; if the splice outcome is exon skip, the loss of the encoded residues in the triple helical region is expected to disrupt normal protein folding and function; Not observed at significant frequency in large population cohorts (gnomAD); This variant is associated with the following publications: (PMID: 25525159, 25381091, 28844315, 8738805, 34215756, 19919694)

Precision Medicine Center, Zhengzhou University
Classification: Pathogenic for X-linked Alport syndrome. Review status: criteria provided, single submitter. Criteria: ACMG Guidelines, 2015. Collection method: research. Allele origin: germline. Affected: yes.
Comment: PVS1:Null variant in the gene with established LOF as a disease mechanism PM2:not found in gnomAD PP3:Multiple lines of computational evidence support a deleterious effect on the gene or gene product

Sydney Genome Diagnostics, Children's Hospital Westmead
Classification: Pathogenic for Alport syndrome. Last evaluated: 2015-11-15. Review status: no assertion criteria provided. Collection method: clinical testing. Allele origin: unknown. Affected: yes. Observed: 1 variant allele, 1 heterozygote. Not counted in ClinVar's aggregate classification.
Comment: This variant is predicted to abolish the consensus donor splice site at c.687 and is likely to result in the skipping of exon 12. Lin et al (2014 BMC Nephrol 15:175) also reports this variant segregating with disease in a family with multiple affected individuals.

NM_033380.3(COL4A5):c.687+1G>A

Gene: COL4A5 (collagen type IV alpha 5 chain; plus strand). Cytogenetic location: Xq22.3.
Variant type: single nucleotide variant.
Coding change: c.687+1G>A on transcript NM_033380.3 (MANE Select); the canonical splice donor site of the intron after coding-DNA position 687, G replaced by A.
Molecular consequence: splice donor variant.
Genome position (GRCh38, 1-based): chrX:108,578,120, G>A. VCF-style: chrX-108578120-G-A. GRCh37 (hg19) VCF-style: chrX-107821350-G-A.
Other names: c.687+1G>A (NM_000495.5).
Identifiers: ClinVar variation 24312 (VCV000024312.7), dbSNP rs104886440, ClinGen allele CA258310.